The following is an entry in ClinVar:

NM_001384474.1(LOXHD1):c.2416G>T (p.Glu806Ter)

Gene: LOXHD1 (lipoxygenase homology PLAT domains 1; minus strand). Cytogenetic location: 18q21.1.
Variant type: single nucleotide variant.
Coding change: c.2416G>T on transcript NM_001384474.1 (MANE Select); coding-DNA position 2416, G replaced by T.
Protein change: p.Glu806Ter; replaces glutamic acid 806 with a stop codon.
Molecular consequence: nonsense.
Genome position (GRCh38, 1-based): chr18:46,566,278, C>A on the plus strand (G>T on the coding strand, the complement: LOXHD1 is on the minus strand). VCF-style: chr18-46566278-C-A. GRCh37 (hg19) VCF-style: chr18-44146241-C-A.
Other names: c.2416G>T, p.Glu806Ter (NM_144612.7); short protein forms E806*.
Identifiers: ClinVar variation 1456399 (VCV001456399.6), dbSNP rs1368527802, ClinGen allele CA402373710.
Genomic context (GRCh38, chr18:46,566,278, plus strand): 5'-GGGAAACAATGGGTGGTCCCACCACAGCCTCCTCCATACATTTCTGGATCTCCACCACCT[C>A]GCTGGGATACAGCTCCACCTCCAGGCGCCCGTCAGCCTGGTTCTTGTCCAGCCAGCGGTT-3'

ClinVar aggregate classification (germline): Pathogenic (1 of 4 stars; one submission).

Submission:

Labcorp Genetics (formerly Invitae), Labcorp
Classification: Pathogenic. Last evaluated: 2021-06-16. Review status: criteria provided, single submitter. Criteria: Invitae Variant Classification Sherloc (09022015). Collection method: clinical testing. Allele origin: germline.
Comment: This sequence change creates a premature translational stop signal (p.Glu806*) in the LOXHD1 gene. It is expected to result in an absent or disrupted protein product. Loss-of-function variants in LOXHD1 are known to be pathogenic (PMID: 19732867, 21465660, 25792669). This variant is not present in population databases (ExAC no frequency). For these reasons, this variant has been classified as Pathogenic. This variant has not been reported in the literature in individuals with LOXHD1-related conditions.

Literature cited by the submitters: PubMed 19732867; PubMed 21465660; PubMed 25792669.